The following is an entry in ClinVar:

ClinVar aggregate classification (germline): Conflicting classifications of pathogenicity. Review status: criteria provided, conflicting classifications (1 of 4 stars). 2 submissions from 2 submitters: Uncertain significance (1); Likely benign (1). Last evaluated 2023-05-11.

Conditions:
Primary dilated cardiomyopathy (DCM). Also called: Dilated Cardiomyopathy. Identifiers: Orphanet 217604, MedGen C0007193, MeSH D002311, MONDO:0005021, HP:0001644. Inheritance: Various modes of inheritance.

Allele frequency attached by ClinVar (database versions not stated): gnomAD exomes below 0.00001; ExAC 0.00001.
gnomAD v4.1: 1 of 1,613,864 alleles (0.000062%); highest among the groups gnomAD compares: East Asian, 0.0022%; no homozygotes.

Submissions (2):

Ambry Genetics
Classification: Likely benign. Last evaluated: 2023-05-11. Review status: criteria provided, single submitter. Criteria: Ambry Variant Classification Scheme 2023. Collection method: clinical testing. Allele origin: germline.

Labcorp Genetics (formerly Invitae), Labcorp
Classification: Uncertain significance for Primary dilated cardiomyopathy. Last evaluated: 2022-02-21. Review status: criteria provided, single submitter. Criteria: Invitae Variant Classification Sherloc (09022015). Collection method: clinical testing. Allele origin: germline.
Comment: This sequence change affects codon 839 of the NEBL mRNA. It is a 'silent' change, meaning that it does not change the encoded amino acid sequence of the NEBL protein. It affects a nucleotide within the consensus splice site. This variant is present in population databases (rs770234424, gnomAD 0.006%). This variant has not been reported in the literature in individuals affected with NEBL-related conditions. Algorithms developed to predict the effect of sequence changes on RNA splicing suggest that this variant is not likely to affect RNA splicing. In summary, the available evidence is currently insufficient to determine the role of this variant in disease. Therefore, it has been classified as a Variant of Uncertain Significance.

NM_006393.3(NEBL):c.2517T>G (p.Val839=)

Gene: NEBL (nebulette; minus strand). Cytogenetic location: 10p12.31.
Variant type: single nucleotide variant.
Coding change: c.2517T>G on transcript NM_006393.3 (MANE Select); coding-DNA position 2517, T replaced by G.
Protein change: p.Val839=; no amino-acid change (valine 839 retained).
Molecular consequence: synonymous variant.
Genome position (GRCh38, 1-based): chr10:20,812,770, A>C on the plus strand (T>G on the coding strand, the complement: NEBL is on the minus strand). VCF-style: chr10-20812770-A-C. GRCh37 (hg19) VCF-style: chr10-21101699-A-C.
Other names: c.528T>G, p.Val176= (NM_001173484.2, NM_001377322.1, NM_213569.2); c.480T>G, p.Val160= (NM_001377323.1); c.471T>G, p.Val157= (NM_001377324.1); c.462T>G, p.Val154= (NM_001377325.1); c.420T>G, p.Val140= (NM_001377326.1, NM_001377327.1, NM_001377328.1).
Identifiers: ClinVar variation 2121047 (VCV002121047.6), dbSNP rs770234424, ClinGen allele CA5432469.